The following is an entry in ClinVar:

ClinVar aggregate classification (germline): Uncertain significance. Review status: criteria provided, multiple submitters, no conflicts (2 of 4 stars). 4 submissions from 4 submitters: Uncertain significance (4). Last evaluated 2024-12-16.

Conditions:
Glycogen storage disease, type II (IOPD). Also called: POMPE DISEASE, INFANTILE-ONSET; GLYCOGEN STORAGE DISEASE II, INFANTILE-ONSET; ACID ALPHA-GLUCOSIDASE DEFICIENCY, INFANTILE-ONSET; GAA DEFICIENCY, INFANTILE-ONSET; ACID MALTASE DEFICIENCY, INFANTILE-ONSET; Glucosidase acid-1,4-alpha deficiency. Identifiers: Orphanet 365, MedGen C0017921, MONDO:0009290, OMIM 232300.

Allele frequency attached by ClinVar (database versions not stated): gnomAD 0.00001; TOPMed 0.00002.
gnomAD v4.1: 7 of 1,601,112 alleles (0.00044%); highest among the groups gnomAD compares: Admixed American, 0.012%; no homozygotes.

Submissions (4):

Revvity Omics, Revvity
Classification: Uncertain significance. Last evaluated: 2024-12-16. Review status: criteria provided, single submitter. Criteria: ACMG Guidelines, 2015. Collection method: clinical testing. Allele origin: germline.

Women's Health and Genetics/Laboratory Corporation of America, LabCorp
Classification: Uncertain significance. Last evaluated: 2024-08-31. Review status: criteria provided, single submitter. Criteria: LabCorp Variant Classification Summary - May 2015. Collection method: clinical testing. Allele origin: germline.

GeneDx
Classification: Uncertain significance. Last evaluated: 2023-12-06. Review status: criteria provided, single submitter. Criteria: GeneDx Variant Classification Process June 2021. Collection method: clinical testing. Allele origin: germline. Affected: yes.
Comment: Has not been previously published as pathogenic or benign to our knowledge; In silico analysis is inconclusive as to whether the variant alters gene splicing. In the absence of RNA/functional studies, the actual effect of this sequence change is unknown.

Labcorp Genetics (formerly Invitae), Labcorp
Classification: Uncertain significance for Glycogen storage disease, type II. Last evaluated: 2020-08-14. Review status: criteria provided, single submitter. Criteria: Invitae Variant Classification Sherloc (09022015). Collection method: clinical testing. Allele origin: germline.
Comment: This sequence change falls in intron 5 of the GAA gene. It does not directly change the encoded amino acid sequence of the GAA protein, but it affects a nucleotide within the consensus splice site of the intron. This variant is present in population databases (rs759508507, ExAC 0.03%). This variant has not been reported in the literature in individuals with GAA-related conditions. Nucleotide substitutions within the consensus splice site are a relatively common cause of aberrant splicing (PMID: 17576681, 9536098). Algorithms developed to predict the effect of sequence changes on RNA splicing suggest that this variant may disrupt the consensus splice site, but this prediction has not been confirmed by published transcriptional studies. In summary, the available evidence is currently insufficient to determine the role of this variant in disease. Therefore, it has been classified as a Variant of Uncertain Significance.

Literature cited by the submitters: PubMed 17576681 (cited by Labcorp Genetics (formerly Invitae), Labcorp); PubMed 9536098 (cited by Labcorp Genetics (formerly Invitae), Labcorp).

NM_000152.5(GAA):c.955+5G>C

Gene: GAA (alpha glucosidase; plus strand). Cytogenetic location: 17q25.3.
Variant type: single nucleotide variant.
Coding change: c.955+5G>C on transcript NM_000152.5 (MANE Select); 5 bases into the intron after coding-DNA position 955, G replaced by C.
Molecular consequence: intron variant.
Genome position (GRCh38, 1-based): chr17:80,107,901, G>C. VCF-style: chr17-80107901-G-C. GRCh37 (hg19) VCF-style: chr17-78081700-G-C.
Other names: c.955+5G>C (NM_001079803.3, NM_001079804.3).
Identifiers: ClinVar variation 1046662 (VCV001046662.5), dbSNP rs759508507, ClinGen allele CA8815095.
Genomic context (GRCh38, chr17:80,107,901, plus strand): 5'-GCTGGAGGACGGCGGGTCGGCACACGGGGTGTTCCTGCTAAACAGCAATGCCATGGGTAA[G>C]CTGCCCGCCGCCCAGCGCCCGGGCCGGGGTCTCCTCCGTGCTGCCTGCCCTGGAGACTGG-3'